The following is an entry in ClinVar:

ClinVar aggregate classification (germline): Uncertain significance (1 of 4 stars; one submission).

gnomAD v4.1: 1 of 1,611,402 alleles (0.000062%); highest among the groups gnomAD compares: Non-Finnish European, 0.000085%; no homozygotes.

Submission:

GeneDx
Classification: Uncertain significance. Last evaluated: 2024-06-27. Review status: criteria provided, single submitter. Criteria: GeneDx Variant Classification Process June 2021. Collection method: clinical testing. Allele origin: germline. Affected: yes.
Comment: Not observed at significant frequency in large population cohorts (gnomAD); In silico analysis supports that this missense variant has a deleterious effect on protein structure/function; Has not been previously published as pathogenic or benign to our knowledge; This variant is associated with the following publications: (PMID: 19781682)

NM_000051.4(ATM):c.2939A>G (p.Tyr980Cys)

Gene: ATM (ATM serine/threonine kinase; plus strand). Cytogenetic location: 11q22.3.
Variant type: single nucleotide variant.
Coding change: c.2939A>G on transcript NM_000051.4 (MANE Select); coding-DNA position 2939, A replaced by G.
Protein change: p.Tyr980Cys; replaces tyrosine 980 with cysteine.
Molecular consequence: missense variant.
Genome position (GRCh38, 1-based): chr11:108,271,268, A>G. VCF-style: chr11-108271268-A-G. GRCh37 (hg19) VCF-style: chr11-108141995-A-G.
Other names: c.2939A>G, p.Tyr980Cys (NM_001351834.2); short protein forms Y980C.
Identifiers: ClinVar variation 3392840 (VCV003392840.1).
Genomic context (GRCh38, chr11:108,271,268, plus strand): 5'-GTTAAGCTTATAAAGTTGAACTTTTTTTTTTTTTTTACCACAGCAATGTGTGTTCTTTGT[A>G]TCGTCGTGACCAAGATGTTTGTAAAACTATTTTAAACCATGTCCTTCATGTAGTGAAAAA-3'
Protein context (NP_000042.3, residues 970-990): LKPLSNVCSL[Tyr980Cys]RRDQDVCKTI